The following is an entry in ClinVar:

ClinVar aggregate classification (germline): Uncertain significance (1 of 4 stars; one submission).

Allele frequency attached by ClinVar (database versions not stated): ExAC 0.00003; gnomAD 0.00003; gnomAD exomes 0.00003; TOPMed 0.00003; 1000 Genomes Project 30x 0.00016; 1000 Genomes Project 0.00020.
gnomAD v4.1: 44 of 1,613,530 alleles (0.0027%); highest among the groups gnomAD compares: Admixed American, 0.0033%; no homozygotes.

Submission:

Labcorp Genetics (formerly Invitae), Labcorp
Classification: Uncertain significance. Last evaluated: 2026-01-08. Review status: criteria provided, single submitter. Criteria: Invitae Variant Classification Sherloc (09022015). Collection method: clinical testing. Allele origin: germline.
Comment: This sequence change replaces arginine, which is basic and polar, with glutamine, which is neutral and polar, at codon 677 of the GEN1 protein (p.Arg677Gln). This variant is present in population databases (rs200843544, gnomAD 0.006%). This variant has not been reported in the literature in individuals affected with GEN1-related conditions. ClinVar contains an entry for this variant (Variation ID: 2170119). An algorithm developed to predict the effect of missense changes on protein structure and function (PolyPhen-2) suggests that this variant is likely to be disruptive. In summary, the available evidence is currently insufficient to determine the role of this variant in disease. Therefore, it has been classified as a Variant of Uncertain Significance.

NM_001130009.3(GEN1):c.2030G>A (p.Arg677Gln)

Gene: GEN1 (GEN1 structure-specific endonuclease; plus strand). Cytogenetic location: 2p24.2.
Variant type: single nucleotide variant.
Coding change: c.2030G>A on transcript NM_001130009.3 (MANE Select); coding-DNA position 2030, G replaced by A.
Protein change: p.Arg677Gln; replaces arginine 677 with glutamine.
Molecular consequence: missense variant.
Genome position (GRCh38, 1-based): chr2:17,781,242, G>A. VCF-style: chr2-17781242-G-A. GRCh37 (hg19) VCF-style: chr2-17962509-G-A.
Other names: c.2030G>A, p.Arg677Gln (NM_182625.5); short protein forms R677Q.
Identifiers: ClinVar variation 2170119 (VCV002170119.4), dbSNP rs200843544, ClinGen allele CA1540877.